The following is an entry in ClinVar:

NM_003073.5(SMARCB1):c.1141A>G (p.Thr381Ala)

Gene: SMARCB1 (SWI/SNF related BAF chromatin remodeling complex subunit B1; plus strand). Cytogenetic location: 22q11.23.
Variant type: single nucleotide variant.
Coding change: c.1141A>G on transcript NM_003073.5 (MANE Select); coding-DNA position 1141, A replaced by G.
Protein change: p.Thr381Ala; replaces threonine 381 with alanine.
Molecular consequence: missense variant.
Genome position (GRCh38, 1-based): chr22:23,834,163, A>G. VCF-style: chr22-23834163-A-G. GRCh37 (hg19) VCF-style: chr22-24176350-A-G.
Other names: c.1114A>G, p.Thr372Ala (NM_001007468.3); c.1168A>G, p.Thr390Ala (NM_001317946.2); c.1195A>G, p.Thr399Ala (NM_001362877.2); short protein forms T381A, T390A, T399A, T372A.
Identifiers: ClinVar variation 5029942 (VCV005029942.1).

ClinVar aggregate classification (germline): Uncertain significance (1 of 4 stars; one submission).

Conditions:
Hereditary cancer-predisposing syndrome. Also called: Neoplastic Syndromes, Hereditary; Tumor predisposition; Hereditary neoplastic syndrome; Hereditary Cancer Syndrome. Identifiers: Orphanet 140162, MedGen C0027672, MeSH D009386, MONDO:0015356.

Submission:

Ambry Genetics
Classification: Uncertain significance for Hereditary cancer-predisposing syndrome. Last evaluated: 2026-08-10. Review status: criteria provided, single submitter. Criteria: Ambry Variant Classification Scheme 2023. Collection method: clinical testing. Allele origin: germline.
Comment: The p.T381A variant (also known as c.1141A>G), located in coding exon 9 of the SMARCB1 gene, results from an A to G substitution at nucleotide position 1141. The threonine at codon 381 is replaced by alanine, an amino acid with similar properties. This amino acid position is highly conserved in available vertebrate species. In addition, the in silico prediction for this alteration is inconclusive. Based on the available evidence, the clinical significance of this variant remains unclear.